The following is an entry in ClinVar:

ClinVar aggregate classification (germline): Uncertain significance (1 of 4 stars; one submission).

Conditions:
Dilated cardiomyopathy 1W (CMD1W). Identifiers: Orphanet 154, MedGen C1969639, MONDO:0012667, OMIM 611407.

Submission:

Labcorp Genetics (formerly Invitae), Labcorp
Classification: Uncertain significance for Dilated cardiomyopathy 1W. Last evaluated: 2022-02-19. Review status: criteria provided, single submitter. Criteria: Invitae Variant Classification Sherloc (09022015). Collection method: clinical testing. Allele origin: germline.
Comment: This variant is not present in population databases (gnomAD no frequency). This variant has not been reported in the literature in individuals affected with VCL-related conditions. Algorithms developed to predict the effect of missense changes on protein structure and function are either unavailable or do not agree on the potential impact of this missense change (SIFT: "Not Available"; PolyPhen-2: "Benign"; Align-GVGD: "Not Available"). In summary, the available evidence is currently insufficient to determine the role of this variant in disease. Therefore, it has been classified as a Variant of Uncertain Significance. This sequence change replaces alanine, which is neutral and non-polar, with threonine, which is neutral and polar, at codon 42 of the VCL protein (p.Ala42Thr).

NM_014000.3(VCL):c.124G>A (p.Ala42Thr)

Genes: VCL (vinculin; plus strand), LOC130004109 (ATAC-STARR-seq lymphoblastoid active region 3587; plus strand). Cytogenetic location: 10q22.2.
Variant type: single nucleotide variant.
Coding change: c.124G>A on transcript NM_014000.3 (MANE Select); coding-DNA position 124, G replaced by A.
Protein change: p.Ala42Thr; replaces alanine 42 with threonine.
Molecular consequence: missense variant.
Genome position (GRCh38, 1-based): chr10:73,998,331, G>A. VCF-style: chr10-73998331-G-A. GRCh37 (hg19) VCF-style: chr10-75758089-G-A.
Other names: c.124G>A, p.Ala42Thr (NM_003373.4); short protein forms A42T.
Identifiers: ClinVar variation 2099280 (VCV002099280.4), dbSNP rs2549180848, ClinGen allele CA377255314.
Genomic context (GRCh38, chr10:73,998,331, plus strand): 5'-CACCTGGTGATAATGCACGAGGAGGGCGAGGTGGACGGCAAAGCCATTCCTGACCTCACC[G>A]CGCCCGTGGCCGCCGTGCAGGCGGCCGTCAGCAACCTCGTCCGGGTGAGCGCGCAGGGCC-3'
Protein context (NP_054706.1, residues 32-52): VDGKAIPDLT[Ala42Thr]PVAAVQAAVS